The following is an entry in ClinVar:

ClinVar aggregate classification (germline): Uncertain significance (1 of 4 stars; one submission).

Allele frequency attached by ClinVar (database versions not stated): gnomAD 0.00001; gnomAD exomes 0.00001; TOPMed 0.00002; ExAC 0.00003.
gnomAD v4.1: 15 of 1,606,426 alleles (0.00093%); highest among the groups gnomAD compares: East Asian, 0.0022%; no homozygotes.

Submission:

Labcorp Genetics (formerly Invitae), Labcorp
Classification: Uncertain significance. Last evaluated: 2022-07-29. Review status: criteria provided, single submitter. Criteria: Invitae Variant Classification Sherloc (09022015). Collection method: clinical testing. Allele origin: germline.
Comment: This sequence change replaces glutamic acid, which is acidic and polar, with lysine, which is basic and polar, at codon 391 of the TUBGCP6 protein (p.Glu391Lys). The frequency data for this variant in the population databases is considered unreliable, as metrics indicate poor data quality at this position in the gnomAD database. This variant has not been reported in the literature in individuals affected with TUBGCP6-related conditions. Algorithms developed to predict the effect of missense changes on protein structure and function are either unavailable or do not agree on the potential impact of this missense change (SIFT: "Tolerated"; PolyPhen-2: "Probably Damaging"; Align-GVGD: "Class C0"). In summary, the available evidence is currently insufficient to determine the role of this variant in disease. Therefore, it has been classified as a Variant of Uncertain Significance.

NM_020461.4(TUBGCP6):c.1171G>A (p.Glu391Lys)

Gene: TUBGCP6 (tubulin gamma complex component 6; minus strand). Cytogenetic location: 22q13.33.
Variant type: single nucleotide variant.
Coding change: c.1171G>A on transcript NM_020461.4 (MANE Select); coding-DNA position 1171, G replaced by A.
Protein change: p.Glu391Lys; replaces glutamic acid 391 with lysine.
Molecular consequence: missense variant.
Genome position (GRCh38, 1-based): chr22:50,229,523, C>T on the plus strand (G>A on the coding strand, the complement: TUBGCP6 is on the minus strand). VCF-style: chr22-50229523-C-T. GRCh37 (hg19) VCF-style: chr22-50667952-C-T.
Other names: short protein forms E391K.
Identifiers: ClinVar variation 1942788 (VCV001942788.2), dbSNP rs747851482, ClinGen allele CA10308795.